The following is an entry in ClinVar:

ClinVar aggregate classification (germline): Uncertain significance (1 of 4 stars; one submission).

Conditions:
Hereditary cancer-predisposing syndrome. Also called: Neoplastic Syndromes, Hereditary; Tumor predisposition; Hereditary Cancer Syndrome; Hereditary neoplastic syndrome. Identifiers: Orphanet 140162, MedGen C0027672, MeSH D009386, MONDO:0015356.

Submission:

Ambry Genetics
Classification: Uncertain significance for Hereditary cancer-predisposing syndrome. Last evaluated: 2024-10-07. Review status: criteria provided, single submitter. Criteria: Ambry Variant Classification Scheme 2023. Collection method: clinical testing. Allele origin: germline.
Comment: The c.221-10T>G intronic variant results from a T to G substitution 10 nucleotides upstream from coding exon 3 in the APC gene. This nucleotide position is well conserved in available vertebrate species. In silico splice site analysis predicts that this alteration will weaken the native splice acceptor site. RNA studies have demonstrated that this alteration results in a transcript predicted to lead to a protein with an in-frame insertion of three amino acids; however, the exact functional impact of the inserted amino acids is unknown at this time (Ambry internal data). Based on the available evidence, the clinical significance of this variant remains unclear.

NM_000038.6(APC):c.221-10T>G

Gene: APC (APC regulator of Wnt signaling pathway; plus strand). Cytogenetic location: 5q22.2.
Variant type: single nucleotide variant.
Coding change: c.221-10T>G on transcript NM_000038.6 (MANE Select); 10 bases into the intron before coding-DNA position 221, T replaced by G.
Molecular consequence: intron variant.
Genome position (GRCh38, 1-based): chr5:112,767,179, T>G. VCF-style: chr5-112767179-T-G. GRCh37 (hg19) VCF-style: chr5-112102876-T-G.
Other names: c.-815-10T>G (NM_001407470.1, NM_001407472.1, NM_001354906.2 and 1 more transcripts); c.221-10T>G (NM_001407447.1, NM_001354895.2, NM_001407456.1 and 16 more transcripts); c.251-10T>G (NM_001407446.1, NM_001354897.2, NM_001354902.2 and 1 more transcripts); c.44-10T>G (NM_001407453.1, NM_001354900.2, NM_001354901.2 and 1 more transcripts); c.146-10T>G (NM_001407451.1, NM_001354898.2, NM_001354904.2).
Identifiers: ClinVar variation 3411301 (VCV003411301.1).